The following is an entry in ClinVar:

NM_002519.3(NPAT):c.689G>A (p.Arg230Gln)

Gene: NPAT (nuclear protein, coactivator of histone transcription; minus strand). Cytogenetic location: 11q22.3.
Variant type: single nucleotide variant.
Coding change: c.689G>A on transcript NM_002519.3 (MANE Select); coding-DNA position 689, G replaced by A.
Protein change: p.Arg230Gln; replaces arginine 230 with glutamine.
Molecular consequence: missense variant.
Genome position (GRCh38, 1-based): chr11:108,186,519, C>T on the plus strand (G>A on the coding strand, the complement: NPAT is on the minus strand). VCF-style: chr11-108186519-C-T. GRCh37 (hg19) VCF-style: chr11-108057246-C-T.
Other names: c.689G>A, p.Arg230Gln (NM_001321307.1); short protein forms R230Q.
Identifiers: ClinVar variation 2906808 (VCV002906808.3), dbSNP rs779132391, ClinGen allele CA6264220.

ClinVar aggregate classification (germline): Uncertain significance (1 of 4 stars; one submission).

Allele frequency attached by ClinVar (database versions not stated): TOPMed 0.00001; ExAC 0.00007; gnomAD exomes 0.00012.
gnomAD v4.1: 177 of 1,613,854 alleles (0.011%); highest among the groups gnomAD compares: East Asian, 0.37%; 1 homozygote.

Submission:

Labcorp Genetics (formerly Invitae), Labcorp
Classification: Uncertain significance. Last evaluated: 2025-12-27. Review status: criteria provided, single submitter. Criteria: Invitae Variant Classification Sherloc (09022015). Collection method: clinical testing. Allele origin: germline.
Comment: This sequence change replaces arginine, which is basic and polar, with glutamine, which is neutral and polar, at codon 230 of the NPAT protein (p.Arg230Gln). This variant is present in population databases (rs779132391, gnomAD 0.07%), and has an allele count higher than expected for a pathogenic variant. This variant has not been reported in the literature in individuals affected with NPAT-related conditions. ClinVar contains an entry for this variant (Variation ID: 2906808). An algorithm developed to predict the effect of missense changes on protein structure and function (PolyPhen-2) suggests that this variant is likely to be disruptive. In summary, the available evidence is currently insufficient to determine the role of this variant in disease. Therefore, it has been classified as a Variant of Uncertain Significance.